The following is an entry in ClinVar:

ClinVar aggregate classification (germline): Uncertain significance. Review status: criteria provided, multiple submitters, no conflicts (2 of 4 stars). 4 submissions from 4 submitters: Uncertain significance (4). Last evaluated 2025-05-31.

Conditions:
Hereditary cancer-predisposing syndrome. Also called: Hereditary Cancer Syndrome; Neoplastic Syndromes, Hereditary; Tumor predisposition; Hereditary neoplastic syndrome. Identifiers: Orphanet 140162, MedGen C0027672, MeSH D009386, MONDO:0015356.
Tuberous sclerosis 2 (TSC2). Identifiers: Orphanet 805, MedGen C1860707, MONDO:0013199, OMIM 613254.

Submissions (4):

Ambry Genetics
Classification: Uncertain significance for Hereditary cancer-predisposing syndrome. Last evaluated: 2025-05-31. Review status: criteria provided, single submitter. Criteria: Ambry Variant Classification Scheme 2023. Collection method: clinical testing. Allele origin: germline.
Comment: The p.P1777A variant (also known as c.5329C>G), located in coding exon 41 of the TSC2 gene, results from a C to G substitution at nucleotide position 5329. The proline at codon 1777 is replaced by alanine, an amino acid with highly similar properties. This amino acid position is not well conserved in limited sequence alignment. In addition, the in silico prediction for this alteration is inconclusive. Since supporting evidence is limited at this time, the clinical significance of this alteration remains unclear.

Labcorp Genetics (formerly Invitae), Labcorp
Classification: Uncertain significance for Tuberous sclerosis 2. Last evaluated: 2024-03-02. Review status: criteria provided, single submitter. Criteria: Invitae Variant Classification Sherloc (09022015). Collection method: clinical testing. Allele origin: germline.
Comment: This sequence change replaces proline, which is neutral and non-polar, with alanine, which is neutral and non-polar, at codon 1777 of the TSC2 protein (p.Pro1777Ala). This variant is not present in population databases (gnomAD no frequency). This variant has not been reported in the literature in individuals affected with TSC2-related conditions. ClinVar contains an entry for this variant (Variation ID: 231259). Advanced modeling of protein sequence and biophysical properties (such as structural, functional, and spatial information, amino acid conservation, physicochemical variation, residue mobility, and thermodynamic stability) performed at Invitae indicates that this missense variant is not expected to disrupt TSC2 protein function with a negative predictive value of 95%. In summary, the available evidence is currently insufficient to determine the role of this variant in disease. Therefore, it has been classified as a Variant of Uncertain Significance.

GeneDx
Classification: Uncertain significance. Last evaluated: 2022-01-12. Review status: criteria provided, single submitter. Criteria: GeneDx Variant Classification Process June 2021. Collection method: clinical testing. Allele origin: germline. Affected: yes.
Comment: Not observed at significant frequency in large population cohorts (gnomAD); In silico analysis supports that this missense variant does not alter protein structure/function; Has not been previously published as pathogenic or benign to our knowledge

Genome-Nilou Lab
Classification: Uncertain significance for Tuberous sclerosis 2. Last evaluated: 2021-11-07. Review status: criteria provided, single submitter. Criteria: ACMG Guidelines, 2015. Collection method: clinical testing. Allele origin: germline. Affected: no.

NM_000548.5(TSC2):c.5329C>G (p.Pro1777Ala)

Gene: TSC2 (TSC complex subunit 2; plus strand). Cytogenetic location: 16p13.3.
Variant type: single nucleotide variant.
Coding change: c.5329C>G on transcript NM_000548.5 (MANE Select); coding-DNA position 5329, C replaced by G.
Protein change: p.Pro1777Ala; replaces proline 1777 with alanine.
Molecular consequence: missense variant.
Genome position (GRCh38, 1-based): chr16:2,088,515, C>G. VCF-style: chr16-2088515-C-G. GRCh37 (hg19) VCF-style: chr16-2138516-C-G.
Other names: c.5128C>G, p.Pro1710Ala (NM_001077183.3); c.5260C>G, p.Pro1754Ala (NM_001114382.3); c.5020C>G, p.Pro1674Ala (NM_001318827.2); c.4984C>G, p.Pro1662Ala (NM_001318829.2); c.4597C>G, p.Pro1533Ala (NM_001318831.2); c.5161C>G, p.Pro1721Ala (NM_001318832.2); c.5131C>G, p.Pro1711Ala (NM_001363528.2); c.5197C>G, p.Pro1733Ala (NM_001370404.1); and 2 more; short protein forms P1777A, P1533A, P1674A, P1710A, P1734A, P1754A, P1662A, P1711A.
Identifiers: ClinVar variation 231259 (VCV000231259.18), dbSNP rs781226141, ClinGen allele CA10579908.